The following is an entry in ClinVar:

NM_144628.4(TBC1D20):c.387C>T (p.Ile129=)

Gene: TBC1D20 (TBC1 domain family member 20; minus strand). Cytogenetic location: 20p13.
Variant type: single nucleotide variant.
Coding change: c.387C>T on transcript NM_144628.4 (MANE Select); coding-DNA position 387, C replaced by T.
Protein change: p.Ile129=; no amino-acid change (isoleucine 129 retained).
Molecular consequence: synonymous variant. On other transcripts: non-coding transcript variant (1).
Genome position (GRCh38, 1-based): chr20:441,994, G>A on the plus strand (C>T on the coding strand, the complement: TBC1D20 is on the minus strand). VCF-style: chr20-441994-G-A. GRCh37 (hg19) VCF-style: chr20-422638-G-A.
Identifiers: ClinVar variation 3055898 (VCV003055898.2), dbSNP rs1255971198, ClinGen allele CA509321148.

ClinVar aggregate classification (germline): Likely benign (0 of 4 stars; one submission).

Conditions:
TBC1D20-related disorder. Also called: TBC1D20-related condition.

Allele frequency attached by ClinVar (database versions not stated): gnomAD exomes below 0.00001.

Submission:

PreventionGenetics, part of Exact Sciences
Classification: Likely benign for TBC1D20-related condition. Last evaluated: 2021-08-06. Review status: no assertion criteria provided. Collection method: clinical testing. Allele origin: germline.
Comment: This variant is classified as likely benign based on ACMG/AMP sequence variant interpretation guidelines (Richards et al. 2015 PMID: 25741868, with internal and published modifications).